The following is an entry in ClinVar:

NM_139321.3(ATRN):c.4080G>A (p.Pro1360=)

Gene: ATRN (attractin; plus strand). Cytogenetic location: 20p13.
Variant type: single nucleotide variant.
Coding change: c.4080G>A on transcript NM_139321.3 (MANE Select); coding-DNA position 4080, G replaced by A.
Protein change: p.Pro1360=; no amino-acid change (proline 1360 retained).
Molecular consequence: synonymous variant.
Genome position (GRCh38, 1-based): chr20:3,644,183, G>A. VCF-style: chr20-3644183-G-A. GRCh37 (hg19) VCF-style: chr20-3624830-G-A.
Other names: c.4080G>A (NM_139321.2).
Identifiers: ClinVar variation 1165621 (VCV001165621.12), dbSNP rs2246808, ClinGen allele CA9744731.

ClinVar aggregate classification (germline): Benign. Review status: criteria provided, multiple submitters, no conflicts (2 of 4 stars). 3 submissions from 3 submitters: Benign (2). 1 of the submissions does not count toward it. Last evaluated 2026-02-03.

Conditions:
ATRN-related disorder. Also called: ATRN-related condition.

Allele frequency attached by ClinVar (database versions not stated): gnomAD 0.43270 and 0.42371; TOPMed 0.43567; ESP Exome Variant Server 0.44987; ExAC 0.37712; gnomAD exomes 0.37180 and 0.38608; 1000 Genomes Project 0.38259; 1000 Genomes Project 30x 0.38788.
gnomAD v4.1: 628,934 of 1,613,224 alleles (39%); highest among the groups gnomAD compares: African/African-American, 55%; 125,705 homozygotes.

Submissions (3):

Labcorp Genetics (formerly Invitae), Labcorp
Classification: Benign. Last evaluated: 2026-02-03. Review status: criteria provided, single submitter. Criteria: Invitae Variant Classification Sherloc (09022015). Collection method: clinical testing. Allele origin: germline.

Breakthrough Genomics
Classification: Benign. Review status: criteria provided, single submitter. Criteria: ACMG Guidelines, 2015. Collection method: not provided. Allele origin: germline. Inheritance: Unknown mechanism. Affected: yes.

PreventionGenetics, part of Exact Sciences
Classification: Benign for ATRN-related condition. Last evaluated: 2024-07-29. Review status: no assertion criteria provided. Collection method: clinical testing. Allele origin: germline. Not counted in ClinVar's aggregate classification.
Comment: This variant is classified as benign based on ACMG/AMP sequence variant interpretation guidelines (Richards et al. 2015 PMID: 25741868, with internal and published modifications).